The following is an entry in ClinVar:

NM_000520.6(HEXA):c.799G>A (p.Gly267Arg)

Gene: HEXA (hexosaminidase subunit alpha; minus strand). Cytogenetic location: 15q23.
Variant type: single nucleotide variant.
Coding change: c.799G>A on transcript NM_000520.6 (MANE Select); coding-DNA position 799, G replaced by A.
Protein change: p.Gly267Arg; replaces glycine 267 with arginine.
Molecular consequence: missense variant. On other transcripts: non-coding transcript variant (1).
Genome position (GRCh38, 1-based): chr15:72,350,524, C>T on the plus strand (G>A on the coding strand, the complement: HEXA is on the minus strand). VCF-style: chr15-72350524-C-T. GRCh37 (hg19) VCF-style: chr15-72642865-C-T.
Other names: c.832G>A, p.Gly278Arg (NM_001318825.2); short protein forms G267R, G278R.
Identifiers: ClinVar variation 3382552 (VCV003382552.2).

ClinVar aggregate classification (germline): Uncertain significance (1 of 4 stars; one submission).

Conditions:
Tay-Sachs disease (TSD). Also called: HEXA DEFICIENCY; GM2 gangliosidosis, type 1; Hexosaminidase alpha-subunit deficiency (variant B); Sphingolipidosis, Tay-Sachs; Hexosaminidase A Deficiency; HEXA Disorders. Identifiers: Orphanet 845, MedGen C0039373, MONDO:0010100, OMIM 272800.

Submission:

Juno Genomics, Hangzhou Juno Genomics, Inc
Classification: Uncertain significance for Tay-Sachs disease. Review status: criteria provided, single submitter. Criteria: ACMG Guidelines, 2015. Collection method: clinical testing. Allele origin: germline. Affected: yes.
Comment: Absent from controls (or at extremely low frequency if recessive) in Genome Aggregation Database, Exome Sequencing Project, 1000 Genomes Project, or Exome Aggregation Consortium.;For recessive disorders, detected in trans with a pathogenic variant.;Multiple lines of computational evidence support a deleterious effect on the gene or gene product (conservation, evolutionary, splicing impact, etc).